The following is an entry in ClinVar:

NM_005050.4(ABCD4):c.1019A>G (p.Tyr340Cys)

Gene: ABCD4 (ATP binding cassette subfamily D member 4; minus strand). Cytogenetic location: 14q24.3.
Variant type: single nucleotide variant.
Coding change: c.1019A>G on transcript NM_005050.4 (MANE Select); coding-DNA position 1019, A replaced by G.
Protein change: p.Tyr340Cys; replaces tyrosine 340 with cysteine.
Molecular consequence: missense variant. On other transcripts: non-coding transcript variant (10).
Genome position (GRCh38, 1-based): chr14:74,292,560, T>C on the plus strand (A>G on the coding strand, the complement: ABCD4 is on the minus strand). VCF-style: chr14-74292560-T-C. GRCh37 (hg19) VCF-style: chr14-74759263-T-C.
Other names: c.893A>G, p.Tyr298Cys (NM_001353591.2, NM_001353592.2); c.758A>G, p.Tyr253Cys (NM_001353593.2); c.707A>G, p.Tyr236Cys (NM_001353594.2); c.605A>G, p.Tyr202Cys (NM_001353595.2, NM_001353596.2); c.554A>G, p.Tyr185Cys (NM_001353597.2); c.542A>G, p.Tyr181Cys (NM_001353598.2, NM_001353599.2, NM_001353600.2 and 2 more transcripts); c.230A>G, p.Tyr77Cys (NM_001353602.2, NM_001353603.2, NM_001353604.2 and 6 more transcripts); c.1019A>G, p.Tyr340Cys (NM_020325.3); short protein forms Y185C, Y253C, Y202C, Y77C, Y181C, Y340C, Y236C, Y298C.
Identifiers: ClinVar variation 971876 (VCV000971876.7), dbSNP rs1446995315, ClinGen allele CA390382985.

ClinVar aggregate classification (germline): Uncertain significance (1 of 4 stars; one submission).

Conditions:
Methylmalonic acidemia with homocystinuria, type cblJ (MAHCJ). Also called: METHYLMALONIC ACIDURIA AND HOMOCYSTINURIA, cblJ TYPE. Identifiers: Orphanet 369955, MedGen C3553915, MONDO:0013925, OMIM 614857.

Allele frequency attached by ClinVar (database versions not stated): gnomAD exomes below 0.00001; TOPMed below 0.00001; gnomAD 0.00001.
gnomAD v4.1: 12 of 1,613,856 alleles (0.00074%); highest among the groups gnomAD compares: African/African-American, 0.0093%; no homozygotes.

Submission:

Labcorp Genetics (formerly Invitae), Labcorp
Classification: Uncertain significance for Methylmalonic acidemia with homocystinuria, type cblJ. Last evaluated: 2022-08-20. Review status: criteria provided, single submitter. Criteria: Invitae Variant Classification Sherloc (09022015). Collection method: clinical testing. Allele origin: germline.
Comment: This sequence change replaces tyrosine, which is neutral and polar, with cysteine, which is neutral and slightly polar, at codon 340 of the ABCD4 protein (p.Tyr340Cys). This variant is not present in population databases (gnomAD no frequency). This variant has not been reported in the literature in individuals affected with ABCD4-related conditions. ClinVar contains an entry for this variant (Variation ID: 971876). Advanced modeling of protein sequence and biophysical properties (such as structural, functional, and spatial information, amino acid conservation, physicochemical variation, residue mobility, and thermodynamic stability) performed at Invitae indicates that this missense variant is expected to disrupt ABCD4 protein function. In summary, the available evidence is currently insufficient to determine the role of this variant in disease. Therefore, it has been classified as a Variant of Uncertain Significance.